The following is an entry in ClinVar:

ClinVar aggregate classification (germline): Uncertain significance. Review status: criteria provided, multiple submitters, no conflicts (2 of 4 stars). 2 submissions from 2 submitters: Uncertain significance (2). Last evaluated 2025-05-17.

Conditions:
Inborn genetic diseases. Identifiers: MedGen C0950123, MeSH D030342.

Allele frequency attached by ClinVar (database versions not stated): gnomAD 0.00001; TOPMed 0.00001.
gnomAD v4.1: 43 of 1,613,466 alleles (0.0027%); highest among the groups gnomAD compares: Non-Finnish European, 0.0034%; no homozygotes.

Submissions (2):

Ambry Genetics
Classification: Uncertain significance for Inborn genetic diseases. Last evaluated: 2025-05-17. Review status: criteria provided, single submitter. Criteria: Ambry Variant Classification Scheme 2023. Collection method: clinical testing. Allele origin: germline.

GeneDx
Classification: Uncertain significance. Last evaluated: 2023-03-08. Review status: criteria provided, single submitter. Criteria: GeneDx Variant Classification Process June 2021. Collection method: clinical testing. Allele origin: germline. Affected: yes.
Comment: Not observed at significant frequency in large population cohorts (gnomAD); In silico analysis supports that this missense variant does not alter protein structure/function; Has not been previously published as pathogenic or benign to our knowledge

NM_006383.4(CIB2):c.266A>G (p.Asn89Ser)

Gene: CIB2 (calcium and integrin binding family member 2; minus strand). Cytogenetic location: 15q25.1.
Variant type: single nucleotide variant.
Coding change: c.266A>G on transcript NM_006383.4 (MANE Select); coding-DNA position 266, A replaced by G.
Protein change: p.Asn89Ser; replaces asparagine 89 with serine.
Molecular consequence: missense variant. On other transcripts: non-coding transcript variant (1).
Genome position (GRCh38, 1-based): chr15:78,109,315, T>C on the plus strand (A>G on the coding strand, the complement: CIB2 is on the minus strand). VCF-style: chr15-78109315-T-C. GRCh37 (hg19) VCF-style: chr15-78401657-T-C.
Other names: c.137A>G, p.Asn46Ser (NM_001271888.2); c.119A>G, p.Asn40Ser (NM_001271889.2); c.281A>G, p.Asn94Ser (NM_001301224.2); c.266A>G (NM_006383.2); short protein forms N40S, N46S, N89S, N94S.
Identifiers: ClinVar variation 2579586 (VCV002579586.2), dbSNP rs768703133, ClinGen allele CA273806778.
Genomic context (GRCh38, chr15:78,109,315, plus strand): 5'-TTTGCCTTGAGCTCTCGGGGAGCCGACTCGCAGAGCACGGAAAACATGTCCACAAAGTCG[T>C]TGAAAGTGAGGTTCCCCTCACCATCCTCGGAAAACGCCGCCACGATCCTTTCTTTGAAGG-3'
Protein context (NP_006374.1, residues 79-99): SEDGEGNLTF[Asn89Ser]DFVDMFSVLC